The following is an entry in ClinVar:

ClinVar aggregate classification (germline): Uncertain significance (1 of 4 stars; one submission).

Allele frequency attached by ClinVar (database versions not stated): gnomAD exomes below 0.00001.
gnomAD v4.1: 2 of 1,613,340 alleles (0.00012%); highest among the groups gnomAD compares: Non-Finnish European, 0.00017%; no homozygotes.

Submission:

Labcorp Genetics (formerly Invitae), Labcorp
Classification: Uncertain significance. Last evaluated: 2023-02-16. Review status: criteria provided, single submitter. Criteria: Invitae Variant Classification Sherloc (09022015). Collection method: clinical testing. Allele origin: germline.
Comment: This variant is not present in population databases (gnomAD no frequency). This sequence change falls in intron 14 of the UNC45A gene. It does not directly change the encoded amino acid sequence of the UNC45A protein. It affects a nucleotide within the consensus splice site. This variant has not been reported in the literature in individuals affected with UNC45A-related conditions. Variants that disrupt the consensus splice site are a relatively common cause of aberrant splicing (PMID: 17576681, 9536098). Algorithms developed to predict the effect of sequence changes on RNA splicing suggest that this variant is not likely to affect RNA splicing. In summary, the available evidence is currently insufficient to determine the role of this variant in disease. Therefore, it has been classified as a Variant of Uncertain Significance.

Literature cited by the submitters: PubMed 17576681; PubMed 9536098.

NM_018671.5(UNC45A):c.2006+6C>T

Gene: UNC45A (unc-45 myosin chaperone A; plus strand). Cytogenetic location: 15q26.1.
Variant type: single nucleotide variant.
Coding change: c.2006+6C>T on transcript NM_018671.5 (MANE Select); 6 bases into the intron after coding-DNA position 2006, C replaced by T.
Molecular consequence: intron variant.
Genome position (GRCh38, 1-based): chr15:90,949,449, C>T. VCF-style: chr15-90949449-C-T. GRCh37 (hg19) VCF-style: chr15-91492679-C-T.
Other names: c.1961+6C>T (NM_001039675.2, NM_001323621.2); c.2006+6C>T (NM_001323619.1); c.1571+6C>T (NM_001323620.2).
Identifiers: ClinVar variation 2838336 (VCV002838336.3), dbSNP rs2036767182, ClinGen allele CA2630409095.